The following is an entry in ClinVar:

NM_000152.5(GAA):c.1129G>C (p.Gly377Arg)

Gene: GAA (alpha glucosidase; plus strand). Cytogenetic location: 17q25.3.
Variant type: single nucleotide variant.
Coding change: c.1129G>C on transcript NM_000152.5 (MANE Select); coding-DNA position 1129, G replaced by C.
Protein change: p.Gly377Arg; replaces glycine 377 with arginine.
Molecular consequence: missense variant.
Genome position (GRCh38, 1-based): chr17:80,108,542, G>C. VCF-style: chr17-80108542-G-C. GRCh37 (hg19) VCF-style: chr17-78082341-G-C.
Other names: c.1129G>C, p.Gly377Arg (NM_001079803.3, NM_001079804.3); c.1129G>C (NM_000152.4); short protein forms G377R.
Identifiers: ClinVar variation 497033 (VCV000497033.9), dbSNP rs752002666, ClinGen allele CA8815180.

ClinVar aggregate classification (germline): Pathogenic/Likely pathogenic. Review status: criteria provided, multiple submitters, no conflicts (2 of 4 stars). 4 submissions from 4 submitters: Pathogenic (1); Likely pathogenic (3). Last evaluated 2026-07-01.

Conditions:
Glycogen storage disease, type II (IOPD). Also called: POMPE DISEASE, INFANTILE-ONSET; GLYCOGEN STORAGE DISEASE II, INFANTILE-ONSET; ACID ALPHA-GLUCOSIDASE DEFICIENCY, INFANTILE-ONSET; GAA DEFICIENCY, INFANTILE-ONSET; ACID MALTASE DEFICIENCY, INFANTILE-ONSET; CARDIOMEGALIA GLYCOGENICA DIFFUSA. Identifiers: Orphanet 365, MedGen C0017921, MONDO:0009290, OMIM 232300.

Allele frequency attached by ClinVar (database versions not stated): TOPMed below 0.00001; ExAC 0.00001; gnomAD 0.00001 and 0.00003.
gnomAD v4.1: 16 of 1,612,804 alleles (0.00099%); highest among the groups gnomAD compares: Non-Finnish European, 0.0014%; no homozygotes.

Submissions (4):

Genomenon, Inc
Classification: Likely pathogenic for Glycogen storage disease, type II. Last evaluated: 2026-07-01. Review status: criteria provided, single submitter. Criteria: Genomenon Sequence Variant Interpretation Standards - Updated. Collection method: curation. Allele origin: germline. Affected: yes.
Comment: GAA p.Gly377Arg (c.1129G>C) is a missense variant that changes the amino acid at codon 377 from Glycine to Arginine. This variant has been observed in at least one proband with a GAA-related disorder in the compound heterozygous and/or homozygous state (PMID:31193175). At least one functional study has demonstrated a substantial alteration in protein function relative to the wild-type (PMID:18425781;19862843;22990675). It is absent or not present at a significant frequency in gnomAD. In silico models predict that this variant is possibly or probably damaging. In conclusion, we classify GAA p.Gly377Arg (c.1129G>C) as a likely pathogenic variant.

Natera, Inc.
Classification: Likely pathogenic for Glycogen storage disease type II. Last evaluated: 2024-09-17. Review status: criteria provided, single submitter. Criteria: Natera Variant Classification Schema (03/2026). Collection method: clinical testing. Allele origin: germline.
Comment: The c.1129G>C variant in GAA is a missense variant predicted to cause substitution of glycine to arginine at amino acid 377. This variant is rare in the general population with a frequency below the threshold expected for the associated phenotype(s). Functional studies show that this variant may disrupt protein function (PMID: 18425781, 19862843). A different variant at the same position has been determined to be Pathogenic or Likely Pathogenic. Computational prediction algorithms indicate this variant is likely to affect gene or protein function. Given the available evidence, this variant is classified as Likely Pathogenic.

Broad Center for Mendelian Genomics, Broad Institute of MIT and Harvard
Classification: Likely pathogenic for Glycogen storage disease, type II. Last evaluated: 2020-01-22. Review status: criteria provided, single submitter. Criteria: ACMG Guidelines, 2015. Collection method: curation. Allele origin: germline. Inheritance: Autosomal recessive inheritance.
Comment: The heterozygous p.Gly377Arg variant in GAA has been reported in 1 individual with Glycogen Storage Disease II (PMID: 16860134), and has also been reported pathogenic by EGL Genetic Diagnostics in ClinVar (Variation ID: 497033). This variant has been identified in 0.002% (3/127352) of European (non-Finnish) chromosomes by the Genome Aggregation Database (gnomAD; dbSNP rs752002666). Although this variant has been seen in the general population, its frequency is low enough to be consistent with a recessive carrier frequency. In vitro functional studies provide some evidence that the p.Gly377Arg variant may impact GAA protein levels and activity (PMID: 18425781). However, these types of assays may not accurately represent biological function. Computational prediction tools and conservation analyses suggest that this variant may impact the protein, though this information is not predictive enough to determine pathogenicity. The presence of this variant in combination with a pathogenic variant and in an individual with Glycogen Storage Disease II increases the likelihood that the p.Gly377Arg variant is pathogenic (PMID: 16860134). The phenotype of an individual heterozygous for this variant is highly specific for Glycogen Storage Disease II based on very low GAA activity compared to normal, consistent with disease (PMID: 16860134). In summary, although additional studies are required to fully establish its clinical significance, this variant is likely pathogenic. ACMG/AMP Criteria applied: PS3, PM2, PP3, PP4, PM3_Supporting (Richards 2015).

Eurofins Ntd Llc (ga)
Classification: Pathogenic. Last evaluated: 2017-04-03. Review status: criteria provided, single submitter. Criteria: EGL Classification Definitions 2015. Collection method: clinical testing. Allele origin: germline. Observed: 2 variant alleles, 2 heterozygotes.

Literature cited by the submitters: PubMed 31193175 (cited by Genomenon, Inc); PubMed 18425781 (cited by 3 submitters); PubMed 19862843 (cited by 3 submitters); PubMed 22990675 (cited by Genomenon, Inc); PubMed 16860134 (cited by Broad Center for Mendelian Genomics, Broad Institute of MIT and Harvard and Eurofins Ntd Llc (ga)); PubMed 19343043 (cited by Eurofins Ntd Llc (ga)).